The following is an entry in ClinVar:

ClinVar aggregate classification (germline): Likely benign. Review status: criteria provided, multiple submitters, no conflicts (2 of 4 stars). 2 submissions from 2 submitters: Likely benign (2). Last evaluated 2025-07-09.

Conditions:
Charcot-Marie-Tooth disease axonal type 2O. Also called: CHARCOT-MARIE-TOOTH NEUROPATHY, AXONAL, TYPE 2O; CHARCOT-MARIE-TOOTH DISEASE, AXONAL, AUTOSOMAL DOMINANT, TYPE 2O; Charcot-Marie-Tooth Neuropathy Type 2O; Charcot-Marie-Tooth disease, axonal, type 20. Identifiers: Orphanet 284232, MedGen C3280220, MONDO:0013644, OMIM 614228.

Allele frequency attached by ClinVar (database versions not stated): TOPMed 0.00001; gnomAD 0.00002 and 0.00003; ExAC 0.00005; gnomAD exomes 0.00005.
gnomAD v4.1: 47 of 1,613,870 alleles (0.0029%); highest among the groups gnomAD compares: South Asian, 0.03%; 2 homozygotes.

Submissions (2):

Mayo Clinic Laboratories, Mayo Clinic
Classification: Likely benign. Last evaluated: 2025-07-09. Review status: criteria provided, single submitter. Criteria: ACMG Guidelines, 2015. Collection method: clinical testing. Allele origin: germline. Observed: 1 variant allele.
Comment: BP4, BP7

Labcorp Genetics (formerly Invitae), Labcorp
Classification: Likely benign for Charcot-Marie-Tooth disease axonal type 2O. Last evaluated: 2024-05-21. Review status: criteria provided, single submitter. Criteria: Invitae Variant Classification Sherloc (09022015). Collection method: clinical testing. Allele origin: germline.

NM_001376.5(DYNC1H1):c.11942-7G>A

Gene: DYNC1H1 (dynein cytoplasmic 1 heavy chain 1; plus strand). Cytogenetic location: 14q32.31.
Variant type: single nucleotide variant.
Coding change: c.11942-7G>A on transcript NM_001376.5 (MANE Select); 7 bases into the intron before coding-DNA position 11942, G replaced by A.
Molecular consequence: intron variant.
Genome position (GRCh38, 1-based): chr14:102,041,567, G>A. VCF-style: chr14-102041567-G-A. GRCh37 (hg19) VCF-style: chr14-102507904-G-A.
Other names: p.?.
Identifiers: ClinVar variation 1148825 (VCV001148825.10), dbSNP rs769654088, ClinGen allele CA7353795.